The following is an entry in ClinVar:

NM_006019.4(TCIRG1):c.2245G>A (p.Glu749Lys)

Gene: TCIRG1 (T cell immune regulator 1, ATPase H+ transporting V0 subunit a3; plus strand). Cytogenetic location: 11q13.2.
Variant type: single nucleotide variant.
Coding change: c.2245G>A on transcript NM_006019.4 (MANE Select); coding-DNA position 2245, G replaced by A.
Protein change: p.Glu749Lys; replaces glutamic acid 749 with lysine.
Molecular consequence: missense variant.
Genome position (GRCh38, 1-based): chr11:68,050,495, G>A. VCF-style: chr11-68050495-G-A. GRCh37 (hg19) VCF-style: chr11-67817962-G-A.
Other names: c.1351G>A, p.Glu451Lys (NM_001351059.2); c.1597G>A, p.Glu533Lys (NM_006053.4); short protein forms E533K, E451K, E749K.
Identifiers: ClinVar variation 3718825 (VCV003718825.2).

ClinVar aggregate classification (germline): Uncertain significance (1 of 4 stars; one submission).

gnomAD v4.1: 11 of 1,613,172 alleles (0.00068%); highest among the groups gnomAD compares: Middle Eastern, 0.018%; no homozygotes.

Submission:

Labcorp Genetics (formerly Invitae), Labcorp
Classification: Uncertain significance. Last evaluated: 2025-12-29. Review status: criteria provided, single submitter. Criteria: Invitae Variant Classification Sherloc (09022015). Collection method: clinical testing. Allele origin: germline.
Comment: This sequence change replaces glutamic acid, which is acidic and polar, with lysine, which is basic and polar, at codon 749 of the TCIRG1 protein (p.Glu749Lys). This variant is present in population databases (no rsID available, gnomAD 0.007%). This variant has not been reported in the literature in individuals affected with TCIRG1-related conditions. ClinVar contains an entry for this variant (Variation ID: 3718825). Invitae Evidence Modeling of protein sequence and biophysical properties (such as structural, functional, and spatial information, amino acid conservation, physicochemical variation, residue mobility, and thermodynamic stability) indicates that this missense variant is not expected to disrupt TCIRG1 protein function with a negative predictive value of 80%. In summary, the available evidence is currently insufficient to determine the role of this variant in disease. Therefore, it has been classified as a Variant of Uncertain Significance.